The following is an entry in ClinVar:

NM_000264.5(PTCH1):c.1657A>G (p.Ile553Val)

Gene: PTCH1 (patched 1; minus strand). Cytogenetic location: 9q22.32.
Variant type: single nucleotide variant.
Coding change: c.1657A>G on transcript NM_000264.5 (MANE Select); coding-DNA position 1657, A replaced by G.
Protein change: p.Ile553Val; replaces isoleucine 553 with valine.
Molecular consequence: missense variant. On other transcripts: non-coding transcript variant (1).
Genome position (GRCh38, 1-based): chr9:95,476,105, T>C on the plus strand (A>G on the coding strand, the complement: PTCH1 is on the minus strand). VCF-style: chr9-95476105-T-C. GRCh37 (hg19) VCF-style: chr9-98238387-T-C.
Other names: c.1459A>G, p.Ile487Val (NM_001083602.3); c.1654A>G, p.Ile552Val (NM_001083603.3); c.1204A>G, p.Ile402Val (NM_001083604.3, NM_001083605.3, NM_001083606.3 and 1 more transcripts); c.1501A>G, p.Ile501Val (NM_001354918.2); short protein forms I552V, I501V, I553V, I402V, I487V.
Identifiers: ClinVar variation 1777373 (VCV001777373.7), dbSNP rs2538193040, ClinGen allele CA374118021.

ClinVar aggregate classification (germline): Uncertain significance. Review status: criteria provided, multiple submitters, no conflicts (2 of 4 stars). 2 submissions from 2 submitters: Uncertain significance (2). Last evaluated 2022-04-03.

Conditions:
Hereditary cancer-predisposing syndrome. Also called: Tumor predisposition; Neoplastic Syndromes, Hereditary; Hereditary Cancer Syndrome; Hereditary neoplastic syndrome. Identifiers: Orphanet 140162, MedGen C0027672, MeSH D009386, MONDO:0015356.
Gorlin syndrome. Also called: Nevoid Basal Cell Carcinoma Syndrome; Basal cell nevus syndrome. Identifiers: Orphanet 377, MedGen C0004779, MONDO:0007187.

Submissions (2):

Ambry Genetics
Classification: Uncertain significance for Hereditary cancer-predisposing syndrome. Last evaluated: 2022-04-03. Review status: criteria provided, single submitter. Criteria: Ambry Variant Classification Scheme 2023. Collection method: clinical testing. Allele origin: germline.
Comment: The p.I553V variant (also known as c.1657A>G), located in coding exon 12 of the PTCH1 gene, results from an A to G substitution at nucleotide position 1657. The isoleucine at codon 553 is replaced by valine, an amino acid with highly similar properties. This amino acid position is conserved. In addition, the in silico prediction for this alteration is inconclusive. Since supporting evidence is limited at this time, the clinical significance of this alteration remains unclear.

Labcorp Genetics (formerly Invitae), Labcorp
Classification: Uncertain significance for Gorlin syndrome. Last evaluated: 2022-02-09. Review status: criteria provided, single submitter. Criteria: Invitae Variant Classification Sherloc (09022015). Collection method: clinical testing. Allele origin: germline.
Comment: In summary, the available evidence is currently insufficient to determine the role of this variant in disease. Therefore, it has been classified as a Variant of Uncertain Significance. Advanced modeling of protein sequence and biophysical properties (such as structural, functional, and spatial information, amino acid conservation, physicochemical variation, residue mobility, and thermodynamic stability) performed at Invitae indicates that this missense variant is not expected to disrupt PTCH1 protein function. This variant has not been reported in the literature in individuals affected with PTCH1-related conditions. This variant is not present in population databases (gnomAD no frequency). This sequence change replaces isoleucine, which is neutral and non-polar, with valine, which is neutral and non-polar, at codon 553 of the PTCH1 protein (p.Ile553Val).